The following is an entry in ClinVar:

ClinVar aggregate classification (germline): Likely benign. Review status: criteria provided, multiple submitters, no conflicts (2 of 4 stars). 3 submissions from 3 submitters: Likely benign (3). Last evaluated 2026-02-04.

Conditions:
ATL3-related disorder. Also called: ATL3-related condition.
Neuropathy, hereditary sensory, type 1F. Also called: HSN IF; Hereditary sensory neuropathy type IF. Identifiers: Orphanet 36386, MedGen C3810194, MONDO:0014286, OMIM 615632.

Allele frequency attached by ClinVar (database versions not stated): gnomAD exomes 0.00002; TOPMed 0.00003; ExAC 0.00004; gnomAD 0.00004 and 0.00005.
gnomAD v4.1: 55 of 1,614,142 alleles (0.0034%); highest among the groups gnomAD compares: East Asian, 0.025%; no homozygotes.

Submissions (3):

PreventionGenetics, part of Exact Sciences
Classification: Likely benign for ATL3-related condition. Last evaluated: 2026-02-04. Review status: criteria provided, single submitter. Criteria: ACMG Guidelines, 2015. Collection method: clinical testing. Allele origin: germline.
Comment: This variant is classified as likely benign based on ACMG/AMP sequence variant interpretation guidelines (Richards et al. 2015 PMID: 25741868, with internal and published modifications).

Labcorp Genetics (formerly Invitae), Labcorp
Classification: Likely benign for Neuropathy, hereditary sensory, type 1F. Last evaluated: 2024-10-24. Review status: criteria provided, single submitter. Criteria: Invitae Variant Classification Sherloc (09022015). Collection method: clinical testing. Allele origin: germline.

Blueprint Genetics
Classification: Likely benign. Last evaluated: 2024-10-16. Review status: criteria provided, single submitter. Criteria: ACMG Guidelines, 2015. Collection method: clinical testing. Allele origin: germline.

NM_015459.5(ATL3):c.1395T>C (p.Gly465=)

Genes: ATL3 (atlastin GTPase 3; minus strand), LNCROPM (lncRNA regulator of PLAAT3 mediated phospholipid metabolism; plus strand). Cytogenetic location: 11q13.1.
Variant type: single nucleotide variant.
Coding change: c.1395T>C on transcript NM_015459.5 (MANE Select); coding-DNA position 1395, T replaced by C.
Protein change: p.Gly465=; no amino-acid change (glycine 465 retained).
Molecular consequence: synonymous variant.
Genome position (GRCh38, 1-based): chr11:63,631,184, A>G on the plus strand (T>C on the coding strand, the complement: ATL3 is on the minus strand). VCF-style: chr11-63631184-A-G. GRCh37 (hg19) VCF-style: chr11-63398656-A-G.
Other names: c.1341T>C, p.Gly447= (NM_001290048.2).
Identifiers: ClinVar variation 705098 (VCV000705098.12), dbSNP rs372301898, ClinGen allele CA6063526.